The following is an entry in ClinVar:

ClinVar aggregate classification (germline): Likely pathogenic (1 of 4 stars; one submission).

Conditions:
Early-infantile DEE. Also called: Early infantile epileptic encephalopathy; Ohtahara syndrome; Early infantile epileptic encephalopathy with suppression bursts. Identifiers: Orphanet 1934, MedGen C0393706, MONDO:0800491.

Submission:

Labcorp Genetics (formerly Invitae), Labcorp
Classification: Likely pathogenic for Early-infantile DEE. Last evaluated: 2017-08-21. Review status: criteria provided, single submitter. Criteria: Invitae Variant Classification Sherloc (09022015). Collection method: clinical testing. Allele origin: germline.
Comment: Algorithms developed to predict the effect of missense changes on protein structure and function (SIFT, PolyPhen-2, Align-GVGD) all suggest that this variant is likely to be disruptive, but these predictions have not been confirmed by published functional studies and their clinical significance is uncertain. In summary, the currently available evidence indicates that the variant is pathogenic, but additional data are needed to prove that conclusively. Therefore, this variant has been classified as Likely Pathogenic. Family studies have indicated that this variant was not present in the parents of an individual with SCN1A-related disease, which suggests that it was de novo in that affected individual (Invitae). This variant identified in the SCN1A gene is located in the extracellular D1-P1 region of the resulting protein (PMID: 25348405, 18804930), but it is unclear how this variant impacts the function of this protein. This sequence change replaces cysteine with tryptophan at codon 336 of the SCN1A protein (p.Cys336Trp). The cysteine residue is highly conserved and there is a large physicochemical difference between cysteine and tryptophan. This variant is not present in population databases (ExAC no frequency).

Literature cited by the submitters: PubMed 25348405; PubMed 18804930.

NM_001165963.4(SCN1A):c.1008T>G (p.Cys336Trp)

Gene: SCN1A (sodium voltage-gated channel alpha subunit 1; minus strand). Cytogenetic location: 2q24.3.
Variant type: single nucleotide variant.
Coding change: c.1008T>G on transcript NM_001165963.4 (MANE Select); coding-DNA position 1008, T replaced by G.
Protein change: p.Cys336Trp; replaces cysteine 336 with tryptophan.
Molecular consequence: missense variant. On other transcripts: 5 prime UTR variant (1), non-coding transcript variant (1).
Genome position (GRCh38, 1-based): chr2:166,048,906, A>C on the plus strand (T>G on the coding strand, the complement: SCN1A is on the minus strand). VCF-style: chr2-166048906-A-C. GRCh37 (hg19) VCF-style: chr2-166905416-A-C.
Other names: c.1008T>G, p.Cys336Trp (NM_001165964.3, NM_001202435.3, NM_001353948.2 and 10 more transcripts); c.-1418T>G (NM_001353961.2); short protein forms C336W.
Identifiers: ClinVar variation 461241 (VCV000461241.9), dbSNP rs1553548096, ClinGen allele CA349071602.